The following is an entry in ClinVar:

ClinVar aggregate classification (germline): Uncertain significance (1 of 4 stars; one submission).

Conditions:
Hereditary cancer-predisposing syndrome. Also called: Neoplastic Syndromes, Hereditary; Tumor predisposition; Hereditary Cancer Syndrome; Hereditary neoplastic syndrome. Identifiers: Orphanet 140162, MedGen C0027672, MeSH D009386, MONDO:0015356.

Allele frequency attached by ClinVar (database versions not stated): gnomAD exomes below 0.00001; ExAC 0.00001.

Submission:

Ambry Genetics
Classification: Uncertain significance for Hereditary cancer-predisposing syndrome. Last evaluated: 2020-02-12. Review status: criteria provided, single submitter. Criteria: Ambry Variant Classification Scheme 2023. Collection method: clinical testing. Allele origin: germline.
Comment: The p.E1341G variant (also known as c.4022A>G), located in coding exon 10 of the MSH6 gene, results from an A to G substitution at nucleotide position 4022. The glutamic acid at codon 1341 is replaced by glycine, an amino acid with similar properties. This amino acid position is not well conserved in available vertebrate species. In addition, the in silico prediction for this alteration is inconclusive. Since supporting evidence is limited at this time, the clinical significance of this alteration remains unclear.

NM_000179.3(MSH6):c.4022A>G (p.Glu1341Gly)

Gene: MSH6 (mutS homolog 6; plus strand). Cytogenetic location: 2p16.3.
Variant type: single nucleotide variant.
Coding change: c.4022A>G on transcript NM_000179.3 (MANE Select); coding-DNA position 4022, A replaced by G.
Protein change: p.Glu1341Gly; replaces glutamic acid 1341 with glycine.
Molecular consequence: missense variant.
Genome position (GRCh38, 1-based): chr2:47,806,799, A>G. VCF-style: chr2-47806799-A-G. GRCh37 (hg19) VCF-style: chr2-48033938-A-G.
Other names: c.3632A>G, p.Glu1211Gly (NM_001281492.2); c.3116A>G, p.Glu1039Gly (NM_001281493.2, NM_001281494.2, NM_001406811.1 and 6 more transcripts); c.4118A>G, p.Glu1373Gly (NM_001406795.1); c.4022A>G, p.Glu1341Gly (NM_001406796.1, NM_001406809.1); c.3725A>G, p.Glu1242Gly (NM_001406797.1, NM_001406805.1, NM_001406818.1 and 8 more transcripts); c.3848A>G, p.Glu1283Gly (NM_001406798.1); c.3497A>G, p.Glu1166Gly (NM_001406799.1, NM_001406806.1, NM_001406807.1); c.*43A>G (NM_001406800.1); and 9 more; short protein forms E1053G, E1315G, E1373G, E290G, E656G, E819G, E1285G, E1039G.
Identifiers: ClinVar variation 1737124 (VCV001737124.2), dbSNP rs770359323, ClinGen allele CA072808.